The following is an entry in ClinVar:

ClinVar aggregate classification (germline): Uncertain significance. Review status: criteria provided, multiple submitters, no conflicts (2 of 4 stars). 3 submissions from 3 submitters: Uncertain significance (3). Last evaluated 2022-11-30.

Conditions:
Inborn genetic diseases. Identifiers: MedGen C0950123, MeSH D030342.

Allele frequency attached by ClinVar (database versions not stated): gnomAD 0.00002; gnomAD exomes 0.00002 and 0.00003; TOPMed 0.00002; ExAC 0.00003.
gnomAD v4.1: 28 of 1,612,782 alleles (0.0017%); highest among the groups gnomAD compares: South Asian, 0.0055%; no homozygotes.

Submissions (3):

Ambry Genetics
Classification: Uncertain significance for Inborn genetic diseases. Last evaluated: 2022-11-30. Review status: criteria provided, single submitter. Criteria: Ambry Variant Classification Scheme 2023. Collection method: clinical testing. Allele origin: germline.

Labcorp Genetics (formerly Invitae), Labcorp
Classification: Uncertain significance. Last evaluated: 2022-01-19. Review status: criteria provided, single submitter. Criteria: Invitae Variant Classification Sherloc (09022015). Collection method: clinical testing. Allele origin: germline.
Comment: This sequence change replaces arginine, which is basic and polar, with histidine, which is basic and polar, at codon 606 of the HPS6 protein (p.Arg606His). This variant is present in population databases (rs780449497, gnomAD 0.006%). This variant has not been reported in the literature in individuals affected with HPS6-related conditions. Algorithms developed to predict the effect of missense changes on protein structure and function are either unavailable or do not agree on the potential impact of this missense change (SIFT: "Deleterious"; PolyPhen-2: "Probably Damaging"; Align-GVGD: "Class C0"). In summary, the available evidence is currently insufficient to determine the role of this variant in disease. Therefore, it has been classified as a Variant of Uncertain Significance.

Genetic Services Laboratory, University of Chicago
Classification: Uncertain significance. Last evaluated: 2018-11-08. Review status: criteria provided, single submitter. Criteria: ACMG Guidelines, 2015. Collection method: clinical testing. Allele origin: germline. Affected: no.

NM_024747.6(HPS6):c.1817G>A (p.Arg606His)

Gene: HPS6 (HPS6 biogenesis of lysosomal organelles complex 2 subunit 3; plus strand). Cytogenetic location: 10q24.32.
Variant type: single nucleotide variant.
Coding change: c.1817G>A on transcript NM_024747.6 (MANE Select); coding-DNA position 1817, G replaced by A.
Protein change: p.Arg606His; replaces arginine 606 with histidine.
Molecular consequence: missense variant.
Genome position (GRCh38, 1-based): chr10:102,067,291, G>A. VCF-style: chr10-102067291-G-A. GRCh37 (hg19) VCF-style: chr10-103827048-G-A.
Other names: short protein forms R606H.
Identifiers: ClinVar variation 1336924 (VCV001336924.6), dbSNP rs780449497, ClinGen allele CA5660048.